The following is an entry in ClinVar:

ClinVar aggregate classification (germline): Likely benign (1 of 4 stars; one submission).

Submission:

GeneDx
Classification: Likely benign. Last evaluated: 2017-07-19. Review status: criteria provided, single submitter. Criteria: GeneDx Variant Classification (06012015). Collection method: clinical testing. Allele origin: germline. Affected: yes.
Comment: This variant is considered likely benign or benign based on one or more of the following criteria: it is a conservative change, it occurs at a poorly conserved position in the protein, it is predicted to be benign by multiple in silico algorithms, and/or has population frequency not consistent with disease.

NM_001353921.2(ARHGEF9):c.31-29642del

Gene: ARHGEF9 (Cdc42 guanine nucleotide exchange factor 9; minus strand). Cytogenetic location: Xq11.1.
Variant type: Deletion.
Coding change: c.31-29642del on transcript NM_001353921.2 (MANE Select); 29642 bases into the intron before coding-DNA position 31, one base deleted (G; older notation c.31-29642delG).
Molecular consequence: intron variant. On other transcripts: 5 prime UTR variant (17).
Genome position (GRCh38, 1-based): chrX:63,754,353, C deleted on the plus strand (G on the coding strand, the reverse complement: ARHGEF9 is on the minus strand); the first of 6 consecutive C bases (chrX:63,754,353-63,754,358); deleting any one gives the same sequence. VCF-style (leftmost placement, unchanged base first): chrX-63754352-TC-T. GRCh37 (hg19) VCF-style: chrX-62974232-TC-T.
Other names: c.-156del (NM_001173480.2); c.-41del (NM_001353924.2, NM_001353928.2, NM_001369030.1 and 2 more transcripts); c.-37del (NM_001353926.2, NM_001369031.1, NM_001369032.1 and 1 more transcripts); c.-93del (NM_001353927.2, NM_001369033.1, NM_001369034.1); c.-171del (NM_001369036.1); c.-398del (NM_001369037.1); c.-479del (NM_001369042.1); c.-723del (NM_001369045.1); and 6 more.
Identifiers: ClinVar variation 510800 (VCV000510800.1), dbSNP rs782757577, ClinGen allele CA10432017.